The following is an entry in ClinVar:

ClinVar aggregate classification (germline): Uncertain significance (1 of 4 stars; one submission).

Allele frequency attached by ClinVar (database versions not stated): gnomAD exomes below 0.00001.
gnomAD v4.1: 1 of 1,613,896 alleles (0.000062%); highest among the groups gnomAD compares: Non-Finnish European, 0.000085%; no homozygotes.

Submission:

Labcorp Genetics (formerly Invitae), Labcorp
Classification: Uncertain significance. Last evaluated: 2020-03-18. Review status: criteria provided, single submitter. Criteria: Invitae Variant Classification Sherloc (09022015). Collection method: clinical testing. Allele origin: germline.
Comment: This sequence change replaces glutamic acid with glutamine at codon 1124 of the MSH3 protein (p.Glu1124Gln). The glutamic acid residue is weakly conserved and there is a small physicochemical difference between glutamic acid and glutamine. This variant is not present in population databases (ExAC no frequency). This variant has not been reported in the literature in individuals with MSH3-related conditions. Algorithms developed to predict the effect of missense changes on protein structure and function (SIFT, PolyPhen-2, Align-GVGD) all suggest that this variant is likely to be tolerated, but these predictions have not been confirmed by published functional studies and their clinical significance is uncertain. In summary, the available evidence is currently insufficient to determine the role of this variant in disease. Therefore, it has been classified as a Variant of Uncertain Significance.

NM_002439.5(MSH3):c.3370G>C (p.Glu1124Gln)

Gene: MSH3 (mutS homolog 3; plus strand). Cytogenetic location: 5q14.1.
Variant type: single nucleotide variant.
Coding change: c.3370G>C on transcript NM_002439.5 (MANE Select); coding-DNA position 3370, G replaced by C.
Protein change: p.Glu1124Gln; replaces glutamic acid 1124 with glutamine.
Molecular consequence: missense variant.
Genome position (GRCh38, 1-based): chr5:80,875,818, G>C. VCF-style: chr5-80875818-G-C. GRCh37 (hg19) VCF-style: chr5-80171637-G-C.
Other names: short protein forms E1124Q.
Identifiers: ClinVar variation 1046993 (VCV001046993.8), dbSNP rs1580106239, ClinGen allele CA360347415.